The following is an entry in ClinVar:

ClinVar aggregate classification (germline): Uncertain significance (1 of 4 stars; one submission).

Conditions:
Hereditary cancer-predisposing syndrome. Also called: Neoplastic Syndromes, Hereditary; Tumor predisposition; Hereditary Cancer Syndrome; Hereditary neoplastic syndrome. Identifiers: Orphanet 140162, MedGen C0027672, MeSH D009386, MONDO:0015356.

Submission:

Ambry Genetics
Classification: Uncertain significance for Hereditary cancer-predisposing syndrome. Last evaluated: 2024-11-15. Review status: criteria provided, single submitter. Criteria: Ambry Variant Classification Scheme 2023. Collection method: clinical testing. Allele origin: germline.
Comment: The p.G567R variant (also known as c.1699G>A), located in coding exon 13 of the APC gene, results from a G to A substitution at nucleotide position 1699. The glycine at codon 567 is replaced by arginine, an amino acid with dissimilar properties. Missense alterations in APC are not a common cause of disease (Spier I et al. Genet Med. 2024 Feb;26(2):100992). This amino acid position is highly conserved in available vertebrate species. In addition, in silico predictors for this gene do not accurately predict pathogenicity. Based on the available evidence, the clinical significance of this variant remains unclear.

NM_000038.6(APC):c.1699G>A (p.Gly567Arg)

Gene: APC (APC regulator of Wnt signaling pathway; plus strand). Cytogenetic location: 5q22.2.
Variant type: single nucleotide variant.
Coding change: c.1699G>A on transcript NM_000038.6 (MANE Select); coding-DNA position 1699, G replaced by A.
Protein change: p.Gly567Arg; replaces glycine 567 with arginine.
Molecular consequence: missense variant.
Genome position (GRCh38, 1-based): chr5:112,828,928, G>A. VCF-style: chr5-112828928-G-A. GRCh37 (hg19) VCF-style: chr5-112164625-G-A.
Other names: c.1753G>A, p.Gly585Arg (NM_001354896.2, NM_001407447.1, NM_001407448.1 and 1 more transcripts); c.1729G>A, p.Gly577Arg (NM_001354897.2); c.1624G>A, p.Gly542Arg (NM_001354898.2); c.1615G>A, p.Gly539Arg (NM_001354899.2); c.1219G>A, p.Gly407Arg (NM_001354905.2); c.1522G>A, p.Gly508Arg (NM_001354901.2, NM_001407453.1); c.1426G>A, p.Gly476Arg (NM_001354902.2); c.1396G>A, p.Gly466Arg (NM_001354903.2, NM_001407458.1, NM_001407459.1 and 1 more transcripts); and 11 more; short protein forms G183R, G438R, G508R, G549R, G567R, G284R, G407R, G441R.
Identifiers: ClinVar variation 3406487 (VCV003406487.1).